The following is an entry in ClinVar:

NM_000152.5(GAA):c.725C>T (p.Ala242Val)

Gene: GAA (alpha glucosidase; plus strand). Cytogenetic location: 17q25.3.
Variant type: single nucleotide variant.
Coding change: c.725C>T on transcript NM_000152.5 (MANE Select); coding-DNA position 725, C replaced by T.
Protein change: p.Ala242Val; replaces alanine 242 with valine.
Molecular consequence: missense variant.
Genome position (GRCh38, 1-based): chr17:80,107,589, C>T. VCF-style: chr17-80107589-C-T. GRCh37 (hg19) VCF-style: chr17-78081388-C-T.
Other names: NM_000152.5(GAA):c.725C>T; p.Ala242Val; c.725C>T, p.Ala242Val (NM_001079803.3, NM_001079804.3); c.725C>T (LRG_673t1); short protein forms A242V.
Identifiers: ClinVar variation 456434 (VCV000456434.29), dbSNP rs745861849, ClinGen allele CA8815002.

ClinVar aggregate classification (germline): Uncertain significance. Review status: reviewed by expert panel (3 of 4 stars). 12 submissions from 12 submitters: Uncertain significance (1). 11 of the submissions do not count toward it. Last evaluated 2025-10-21.

Conditions:
Glycogen storage disease, type II (IOPD). Also called: POMPE DISEASE, INFANTILE-ONSET; GLYCOGEN STORAGE DISEASE II, INFANTILE-ONSET; ACID ALPHA-GLUCOSIDASE DEFICIENCY, INFANTILE-ONSET; GAA DEFICIENCY, INFANTILE-ONSET; ACID MALTASE DEFICIENCY, INFANTILE-ONSET; Glucosidase acid-1,4-alpha deficiency. Identifiers: Orphanet 365, MedGen C0017921, MONDO:0009290, OMIM 232300.

Allele frequency attached by ClinVar (database versions not stated): TOPMed 0.00007.
gnomAD v4.1: 70 of 1,613,026 alleles (0.0043%); highest among the groups gnomAD compares: Admixed American, 0.02%; no homozygotes.

Submissions (12):

ClinGen Lysosomal Storage Disorder Variant Curation Expert Panel
Classification: Uncertain significance for Glycogen storage disease, type II. Last evaluated: 2025-10-21. Review status: reviewed by expert panel. Criteria: clingen_lsd_acmg_specifications_v2-1. Collection method: curation. Allele origin: germline. Inheritance: Autosomal recessive inheritance.
Comment: The NM_000152.5:c.725C>T variant in GAA is a missense variant predicted to cause substitution of alanine by valine at amino acid 242 (p.Ala242Val). This variant was reported in a patient "with a clinical or enzymatic diagnosis" of Pompe disease (PMID 18425781). This variant was also reported in a homozygous patient with GAA activity activity in the affected range in dried blood spot (PMID 35431876). The highest population minor allele frequency in gnomAD v4.0. is 0.0002 (12/60002 alleles) in the Latino population, which is lower than the ClinGen Lysosomal Diseases VCEP’s threshold for PM2_Supporting (<0.001), meeting this criterion. Note that the allele frequency in the Ashkenazi Jewish population is 0.00105 which is slightly higher than the threshold for PM2. When expressed in COS7 cells, this variant was classified as Class D ("potentially mild") by Kroos et al, 2008 (PMID 18425781). This includes 14% GAA activity in cells and 7% in medium, and evidence of abnormal synthesis and processing on Western blot. This meets the ClinGen LSD VCEP specifications for PS3_Supporting. The computational predictor REVEL gives a score of 0.623 which is neither above nor below the thresholds predicting a damaging (>0.7) or benign (<0.5) impact on GAA function. There is a ClinVar entry for this variant (Variation ID: 456434; 2 star review status) with nine submitters classifying the variant as a variant of uncertain significance. In summary, this variant meets the criteria to be classified as a variant of uncertain significance for Pompe disease based on the ACMG/AMP criteria applied, as specified by the ClinGen Lysosomal Diseases Variant Curation Expert Panel (Specifications Version 2.0): PM2_Supporting, PS3_Supporting, PP4, PM3_Supporting. (Classification approved by the ClinGen Lysosomal Diseases Variant Curation Expert Panel on October 21, 2025)

Genomenon, Inc
Classification: Uncertain significance for Glycogen storage disease, type II. Last evaluated: 2026-07-01. Review status: criteria provided, single submitter. Criteria: Genomenon Sequence Variant Interpretation Standards - Updated. Collection method: curation. Allele origin: germline. Affected: yes. Not counted in ClinVar's aggregate classification.
Comment: GAA p.Ala242Val (c.725C>T) is a missense variant that changes the amino acid at codon 242 from Alanine to Valine. This variant has been observed in at least one proband with a GAA-related disorder (PMID:35431876). At least one functional study has demonstrated a substantial alteration in protein function relative to the wild-type (PMID:18425781). It is absent or not present at a significant frequency in gnomAD. In conclusion, we classify GAA p.Ala242Val (c.725C>T) as a variant of uncertain significance.

Labcorp Genetics (formerly Invitae), Labcorp
Classification: Uncertain significance for Glycogen storage disease, type II. Last evaluated: 2026-01-27. Review status: criteria provided, single submitter. Criteria: Invitae Variant Classification Sherloc (09022015). Collection method: clinical testing. Allele origin: germline. Not counted in ClinVar's aggregate classification.
Comment: This sequence change replaces alanine, which is neutral and non-polar, with valine, which is neutral and non-polar, at codon 242 of the GAA protein (p.Ala242Val). This variant is present in population databases (rs745861849, gnomAD 0.1%). This missense change has been observed in individual(s) with glycogen storage disease (PMID: 18425781, 35431876). ClinVar contains an entry for this variant (Variation ID: 456434). Invitae Evidence Modeling of protein sequence and biophysical properties (such as structural, functional, and spatial information, amino acid conservation, physicochemical variation, residue mobility, and thermodynamic stability) indicates that this missense variant is expected to disrupt GAA protein function with a positive predictive value of 80%. Experimental studies are conflicting or provide insufficient evidence to determine the effect of this variant on GAA function (PMID: 18425781). In summary, the available evidence is currently insufficient to determine the role of this variant in disease. Therefore, it has been classified as a Variant of Uncertain Significance.

Women's Health and Genetics/Laboratory Corporation of America, LabCorp
Classification: Uncertain significance. Last evaluated: 2025-06-17. Review status: criteria provided, single submitter. Criteria: LabCorp Variant Classification Summary - May 2015. Collection method: clinical testing. Allele origin: germline. Not counted in ClinVar's aggregate classification.
Comment: Variant summary: GAA c.725C>T (p.Ala242Val) results in a non-conservative amino acid change located in the Galactose mutarotase, N-terminal barrel domain of the encoded protein sequence. Algorithms developed to predict the effect of missense changes on protein structure and function all suggest that this variant is likely to be disruptive. The variant allele was found at a frequency of 9.2e-05 in 251102 control chromosomes. This frequency is not significantly higher than estimated for a pathogenic variant in GAA causing Glycogen Storage Disease, Type 2 (Pompe Disease) (9.2e-05 vs 0.0042), allowing no conclusion about variant significance. c.725C>T has been observed in an affected individual (Kroos_2008). This report does not provide unequivocal conclusions about association of the variant with Glycogen Storage Disease, Type 2 (Pompe Disease). At least one publication reports experimental evidence evaluating an impact on protein function. The most pronounced variant effect results in a potentially mild effect on alpha-glucosidase activity (Kroos_2008). The following publication have been ascertained in the context of this evaluation (PMID: 18425781). ClinVar contains an entry for this variant (Variation ID: 456434). Based on the evidence outlined above, the variant was classified as VUS-possibly pathogenic.

Revvity Omics, Revvity
Classification: Uncertain significance. Last evaluated: 2024-11-18. Review status: criteria provided, single submitter. Criteria: ACMG Guidelines, 2015. Collection method: clinical testing. Allele origin: germline. Not counted in ClinVar's aggregate classification.

Blueprint Genetics
Classification: Uncertain significance. Last evaluated: 2023-09-23. Review status: criteria provided, single submitter. Criteria: ACMG Guidelines, 2015. Collection method: clinical testing. Allele origin: germline. Not counted in ClinVar's aggregate classification.

Fulgent Genetics
Classification: Uncertain significance for Glycogen storage disease, type II. Last evaluated: 2021-10-25. Review status: criteria provided, single submitter. Criteria: ACMG Guidelines, 2015. Collection method: clinical testing. Allele origin: unknown. Not counted in ClinVar's aggregate classification.

Myriad Genetics, Inc.
Classification: Uncertain significance for Glycogen storage disease, type II. Last evaluated: 2021-10-20. Review status: criteria provided, single submitter. Criteria: Myriad Women's Health Autosomal Recessive and X-Linked Classification Criteria (2021). Collection method: clinical testing. Allele origin: unknown. Not counted in ClinVar's aggregate classification.
Comment: NM_000152.3(GAA):c.725C>T(A242V) is a missense variant classified as a variant of uncertain significance in the context of Pompe disease. A242V has been observed in cases with relevant disease (PMID: 18425781). Functional assessments of this variant are not available in the literature. A242V has been observed in population frequency databases (gnomAD: ASJ 0.1%). In summary, there is insufficient evidence to classify NM_000152.3(GAA):c.725C>T(A242V) as pathogenic or benign. Please note: this variant was assessed in the context of healthy population screening.

Genome-Nilou Lab
Classification: Uncertain significance for Glycogen storage disease, type II. Last evaluated: 2021-09-05. Review status: criteria provided, single submitter. Criteria: ACMG Guidelines, 2015. Collection method: clinical testing. Allele origin: germline. Affected: no. Not counted in ClinVar's aggregate classification.

Eurofins Ntd Llc (ga)
Classification: Uncertain significance. Last evaluated: 2018-04-18. Review status: criteria provided, single submitter. Criteria: EGL ClinVar v180209 classification definitions. Collection method: clinical testing. Allele origin: germline. Observed: 1 variant allele, 1 heterozygote. Not counted in ClinVar's aggregate classification.

Breakthrough Genomics
Classification: Uncertain significance. Review status: criteria provided, single submitter. Criteria: ACMG Guidelines, 2015. Collection method: not provided. Allele origin: germline. Inheritance: Autosomal recessive inheritance. Affected: yes. Not counted in ClinVar's aggregate classification.

Natera, Inc.
Classification: Uncertain significance for Glycogen storage disease type II. Last evaluated: 2020-09-16. Review status: no assertion criteria provided. Collection method: clinical testing. Allele origin: germline. Not counted in ClinVar's aggregate classification.

Literature cited by the submitters: PubMed 35431876 (cited by Genomenon, Inc and Labcorp Genetics (formerly Invitae), Labcorp); PubMed 18425781 (cited by 4 submitters).